The following is an entry in ClinVar:

NM_001393985.1(ANKRD24):c.2142C>T (p.Ala714=)

Gene: ANKRD24 (ankyrin repeat domain 24; plus strand). Cytogenetic location: 19p13.3.
Variant type: single nucleotide variant.
Coding change: c.2142C>T on transcript NM_001393985.1 (MANE Select); coding-DNA position 2142, C replaced by T.
Protein change: p.Ala714=; no amino-acid change (alanine 714 retained).
Molecular consequence: synonymous variant.
Genome position (GRCh38, 1-based): chr19:4,217,302, C>T. VCF-style: chr19-4217302-C-T. GRCh37 (hg19) VCF-style: chr19-4217299-C-T.
Other names: c.2169C>T, p.Ala723= (NM_001393552.1); c.2142C>T, p.Ala714= (NM_001393553.1, NM_133475.1); c.2055C>T, p.Ala685= (NM_001393555.1); c.2058C>T, p.Ala686= (NM_001393556.1); c.2094C>T, p.Ala698= (NM_001393557.1).
Identifiers: ClinVar variation 4084173 (VCV004084173.8).

ClinVar aggregate classification (germline): Likely benign (1 of 4 stars; one submission).

gnomAD v4.1: 27 of 1,554,390 alleles (0.0017%); highest among the groups gnomAD compares: Middle Eastern, 0.017%; no homozygotes.

Submission:

CeGaT Center for Human Genetics Tuebingen
Classification: Likely benign. Last evaluated: 2025-08-01. Review status: criteria provided, single submitter. Criteria: CeGaT Center For Human Genetics Tuebingen Variant Classification Criteria Version 2. Collection method: clinical testing. Allele origin: germline. Affected: yes. Observed: 1 variant allele.
Comment: ANKRD24: BP4, BP7